The following is an entry in ClinVar:

NM_012144.4(DNAI1):c.325A>G (p.Asn109Asp)

Gene: DNAI1 (dynein axonemal intermediate chain 1; plus strand). Cytogenetic location: 9p13.3.
Variant type: single nucleotide variant.
Coding change: c.325A>G on transcript NM_012144.4 (MANE Select); coding-DNA position 325, A replaced by G.
Protein change: p.Asn109Asp; replaces asparagine 109 with aspartic acid.
Molecular consequence: missense variant.
Genome position (GRCh38, 1-based): chr9:34,489,386, A>G. VCF-style: chr9-34489386-A-G. GRCh37 (hg19) VCF-style: chr9-34489384-A-G.
Other names: c.325A>G, p.Asn109Asp (NM_001281428.2); short protein forms N109D.
Identifiers: ClinVar variation 1027095 (VCV001027095.13), dbSNP rs1824535486, ClinGen allele CA373244798.
Genomic context (GRCh38, chr9:34,489,386, plus strand): 5'-GGCACATATAAGCCTATTGGCTTTGTGAACCAACTGGCAGTTCACTACACCCAGGTTGGG[A>G]ACCTGATCCCCAAAGACTCAGATGAAGGACGGCGGCAGCATTACCGCGATGAATTAGTGG-3'
Protein context (NP_036276.1, residues 99-119): QLAVHYTQVG[Asn109Asp]LIPKDSDEGR

ClinVar aggregate classification (germline): Uncertain significance (1 of 4 stars; one submission).

Conditions:
Primary ciliary dyskinesia. Also called: Ciliary dyskinesia. Identifiers: Orphanet 244, MedGen C0008780, MONDO:0016575, HP:0012265.

Submission:

Labcorp Genetics (formerly Invitae), Labcorp
Classification: Uncertain significance for Primary ciliary dyskinesia. Last evaluated: 2022-07-18. Review status: criteria provided, single submitter. Criteria: Invitae Variant Classification Sherloc (09022015). Collection method: clinical testing. Allele origin: germline.
Comment: This sequence change replaces asparagine, which is neutral and polar, with aspartic acid, which is acidic and polar, at codon 109 of the DNAI1 protein (p.Asn109Asp). This variant is not present in population databases (gnomAD no frequency). This variant has not been reported in the literature in individuals affected with DNAI1-related conditions. ClinVar contains an entry for this variant (Variation ID: 1027095). Algorithms developed to predict the effect of missense changes on protein structure and function (SIFT, PolyPhen-2, Align-GVGD) all suggest that this variant is likely to be tolerated. In summary, the available evidence is currently insufficient to determine the role of this variant in disease. Therefore, it has been classified as a Variant of Uncertain Significance.